The following is an entry in ClinVar:

ClinVar aggregate classification (germline): Benign/Likely benign. Review status: criteria provided, multiple submitters, no conflicts (2 of 4 stars). 5 submissions from 5 submitters: Benign (1); Likely benign (3). 1 of the submissions does not count toward it. Last evaluated 2026-09-01.

Conditions:
IRF2BPL-related disorder. Also called: IRF2BPL-related condition. Identifiers: MedGen CN381093.
Neurodevelopmental disorder with regression, abnormal movements, loss of speech, and seizures. Identifiers: Orphanet 597623, MedGen C4748127, MONDO:0060759, OMIM 618088.

Submissions (5):

CeGaT Center for Human Genetics Tuebingen
Classification: Likely benign. Last evaluated: 2026-09-01. Review status: criteria provided, single submitter. Criteria: CeGaT Center For Human Genetics Tuebingen Variant Classification Criteria Version 2. Collection method: clinical testing. Allele origin: germline. Affected: yes. Observed: 18 variant alleles.
Comment: IRF2BPL: BS1

Mayo Clinic Laboratories, Mayo Clinic
Classification: Benign. Last evaluated: 2025-10-01. Review status: criteria provided, single submitter. Criteria: ACMG Guidelines, 2015. Collection method: clinical testing. Allele origin: germline. Observed: 1 variant allele.
Comment: BS1, BS2, BP3

Genomic Medicine Center of Excellence, King Faisal Specialist Hospital and Research Centre
Classification: Likely benign for Neurodevelopmental disorder with regression, abnormal movements, loss of speech, and seizures. Last evaluated: 2025-09-10. Review status: criteria provided, single submitter. Criteria: ACMG Guidelines, 2015. Collection method: clinical testing. Allele origin: germline.

Blueprint Genetics
Classification: Likely benign. Last evaluated: 2024-11-27. Review status: criteria provided, single submitter. Criteria: ACMG Guidelines, 2015. Collection method: clinical testing. Allele origin: germline.

PreventionGenetics, part of Exact Sciences
Classification: Benign for IRF2BPL-related condition. Last evaluated: 2019-07-30. Review status: no assertion criteria provided. Collection method: clinical testing. Allele origin: germline. Not counted in ClinVar's aggregate classification.
Comment: This variant is classified as benign based on ACMG/AMP sequence variant interpretation guidelines (Richards et al. 2015 PMID: 25741868, with internal and published modifications).

NM_024496.4(IRF2BPL):c.462CGC[10] (p.Ala164_Val165insAla)

Gene: IRF2BPL (interferon regulatory factor 2 binding protein like; minus strand). Cytogenetic location: 14q24.3.
Variant type: Microsatellite.
Coding change: c.462CGC[10] on transcript NM_024496.4 (MANE Select); ten copies in a row of the 3-base unit CGC starting at c.462; the reference has nine copies in a row; one copy, 3 bases duplicated; also written c.486_488dup.
Protein change: p.Ala164_Val165insAla.
Molecular consequence: inframe insertion.
Genome position (GRCh38, 1-based): chr14:77,027,305-77,027,307, GCG duplicated on the plus strand (CGC on the coding strand, the reverse complement: IRF2BPL is on the minus strand); duplicating any 3 consecutive bases within chr14:77,027,305-77,027,333 gives the same sequence; the position shown is the placement nearest the transcript's 3' end. VCF-style (leftmost placement, unchanged base first): chr14-77027304-A-AGCG. GRCh37 (hg19) VCF-style: chr14-77493647-A-AGCG.
Other names: p.Ala164dup; c.486_488dup (NM_024496.4).
Identifiers: ClinVar variation 2644400 (VCV002644400.28), dbSNP rs371633333, ClinGen allele CA7283941.
Genomic context (GRCh38, chr14:77,027,304, plus strand): 5'-GCTGCTTCCCAGGCTCACCGGCGGTGGCGGGTACTCGAAGCGGCTGCGCTGTTCCACCGC[A>AGCG]GCGGCGGCGGCGGCGGCGGCGGCGGCGGCAGCGCTTAGGCCGTAGCGCTCCAGGCCAGAC-3'